The following is an entry in ClinVar:

ClinVar aggregate classification (germline): Conflicting classifications of pathogenicity. Review status: criteria provided, conflicting classifications (1 of 4 stars). 4 submissions from 4 submitters: Uncertain significance (2); Likely benign (2). Last evaluated 2025-12-20.

Conditions:
Cardiovascular phenotype. Identifiers: MedGen CN230736.
Catecholaminergic polymorphic ventricular tachycardia 1. Also called: VENTRICULAR TACHYCARDIA, CATECHOLAMINERGIC POLYMORPHIC, 1, WITH OR WITHOUT ATRIAL DYSFUNCTION AND/OR DILATED CARDIOMYOPATHY; VENTRICULAR TACHYCARDIA, STRESS-INDUCED POLYMORPHIC 1; RYR2-Related Catecholaminergic Polymorphic Ventricular Tachycardia. Identifiers: Orphanet 3286, MedGen C1631597, MONDO:0011484, OMIM 604772.
Cardiomyopathy (CMYO). Also called: Cardiomyopathies. Identifiers: Orphanet 167848, MedGen C0878544, MONDO:0004994, HP:0001638. Inheritance: Various modes of inheritance.

Allele frequency attached by ClinVar (database versions not stated): TOPMed below 0.00001; ExAC 0.00001; gnomAD 0.00001; gnomAD exomes 0.00001.
gnomAD v4.1: 11 of 1,613,432 alleles (0.00068%); highest among the groups gnomAD compares: South Asian, 0.0022%; no homozygotes.

Submissions (4):

Labcorp Genetics (formerly Invitae), Labcorp
Classification: Likely benign for Catecholaminergic polymorphic ventricular tachycardia 1. Last evaluated: 2025-12-20. Review status: criteria provided, single submitter. Criteria: Invitae Variant Classification Sherloc (09022015). Collection method: clinical testing. Allele origin: germline.

Blueprint Genetics
Classification: Likely benign. Last evaluated: 2024-06-12. Review status: criteria provided, single submitter. Criteria: ACMG Guidelines, 2015. Collection method: clinical testing. Allele origin: germline.

Color Diagnostics, LLC DBA Color Health
Classification: Uncertain significance for Cardiomyopathy. Last evaluated: 2024-03-06. Review status: criteria provided, single submitter. Criteria: ACMG Guidelines, 2015. Collection method: clinical testing. Allele origin: germline.
Comment: This missense variant replaces arginine with cysteine at codon 3227 of the RYR2 protein. Computational prediction suggests that this variant may not impact protein structure and function (internally defined REVEL score threshold <= 0.5, PMID: 27666373). To our knowledge, functional studies have not been reported for this variant. This variant has not been reported in individuals affected with cardiovascular disorders in the literature. This variant has been identified in 3/249102 chromosomes in the general population by the Genome Aggregation Database (gnomAD). The available evidence is insufficient to determine the role of this variant in disease conclusively. Therefore, this variant is classified as a Variant of Uncertain Significance.

Ambry Genetics
Classification: Uncertain significance for Cardiovascular phenotype. Last evaluated: 2022-12-27. Review status: criteria provided, single submitter. Criteria: Ambry Variant Classification Scheme 2023. Collection method: clinical testing. Allele origin: germline.
Comment: The p.R3227C variant (also known as c.9679C>T), located in coding exon 68 of the RYR2 gene, results from a C to T substitution at nucleotide position 9679. The arginine at codon 3227 is replaced by cysteine, an amino acid with highly dissimilar properties. This amino acid position is highly conserved in available vertebrate species. In addition, the in silico prediction for this alteration is inconclusive. Since supporting evidence is limited at this time, the clinical significance of this alteration remains unclear.

NM_001035.3(RYR2):c.9679C>T (p.Arg3227Cys)

Gene: RYR2 (ryanodine receptor 2; plus strand). Cytogenetic location: 1q43.
Variant type: single nucleotide variant.
Coding change: c.9679C>T on transcript NM_001035.3 (MANE Select); coding-DNA position 9679, C replaced by T.
Protein change: p.Arg3227Cys; replaces arginine 3227 with cysteine.
Molecular consequence: missense variant.
Genome position (GRCh38, 1-based): chr1:237,707,047, C>T. VCF-style: chr1-237707047-C-T. GRCh37 (hg19) VCF-style: chr1-237870347-C-T.
Other names: c.9679C>T (NM_001035.2); short protein forms R3227C.
Identifiers: ClinVar variation 1404839 (VCV001404839.13), dbSNP rs747271394, ClinGen allele CA087943.